The following is an entry in ClinVar:

ClinVar aggregate classification (germline): Uncertain significance (1 of 4 stars; one submission).

Submission:

Ambry Genetics
Classification: Uncertain significance. Last evaluated: 2026-05-31. Review status: criteria provided, single submitter. Criteria: Ambry Variant Classification Scheme 2023. Collection method: clinical testing. Allele origin: germline.
Comment: The p.R417G variant (also known as c.1249A>G), located in coding exon 12 of the KIF1B gene, results from an A to G substitution at nucleotide position 1249. The arginine at codon 417 is replaced by glycine, an amino acid with dissimilar properties. This amino acid position is conserved. In addition, the in silico prediction for this alteration is inconclusive. Based on the available evidence, the clinical significance of this variant remains unclear.

NM_001365951.3(KIF1B):c.1387A>G (p.Arg463Gly)

Gene: KIF1B (kinesin family member 1B; plus strand). Cytogenetic location: 1p36.22.
Variant type: single nucleotide variant.
Coding change: c.1387A>G on transcript NM_001365951.3 (MANE Select); coding-DNA position 1387, A replaced by G.
Protein change: p.Arg463Gly; replaces arginine 463 with glycine.
Molecular consequence: missense variant.
Genome position (GRCh38, 1-based): chr1:10,282,486, A>G. VCF-style: chr1-10282486-A-G. GRCh37 (hg19) VCF-style: chr1-10342544-A-G.
Other names: c.1387A>G, p.Arg463Gly (NM_001365952.1); c.1249A>G, p.Arg417Gly (NM_001365953.1, NM_015074.3, NM_183416.4); short protein forms R417G, R463G.
Identifiers: ClinVar variation 4858879 (VCV004858879.1).
Genomic context (GRCh38, chr1:10,282,486, plus strand): 5'-CCATCTTCCTGCTCACTCAGTAGTCAGGTGGGCTTGACGTCTGTGACCAGTATTCAAGAG[A>G]GGATCATGTCTACACCTGGAGGAGAGGAAGCTATTGAACGTTTAAAGGTAAGTAATAGTT-3'
Protein context (NP_001352880.1, residues 453-473): GLTSVTSIQE[Arg463Gly]IMSTPGGEEA